The following is an entry in ClinVar:

ClinVar aggregate classification (germline): Uncertain significance (1 of 4 stars; one submission).

gnomAD v4.1: 82 of 1,614,118 alleles (0.0051%); highest among the groups gnomAD compares: Admixed American, 0.037%; no homozygotes.

Submission:

CeGaT Center for Human Genetics Tuebingen
Classification: Uncertain significance. Last evaluated: 2025-11-01. Review status: criteria provided, single submitter. Criteria: CeGaT Center For Human Genetics Tuebingen Variant Classification Criteria Version 2. Collection method: clinical testing. Allele origin: germline. Affected: yes. Observed: 1 variant allele.
Comment: FLG: PM2, BP4

NM_002016.2(FLG):c.6827G>C (p.Arg2276Thr)

Genes: CCDST (cervical cancer associated DHX9 suppressive transcript; plus strand), FLG (filaggrin; minus strand). Cytogenetic location: 1q21.3.
Variant type: single nucleotide variant.
Coding change: c.6827G>C on transcript NM_002016.2 (MANE Select); coding-DNA position 6827, G replaced by C.
Protein change: p.Arg2276Thr; replaces arginine 2276 with threonine.
Molecular consequence: missense variant.
Genome position (GRCh38, 1-based): chr1:152,308,059, C>G on the plus strand (G>C on the coding strand, the complement: FLG is on the minus strand). VCF-style: chr1-152308059-C-G. GRCh37 (hg19) VCF-style: chr1-152280535-C-G.
Other names: short protein forms R2276T.
Identifiers: ClinVar variation 4533711 (VCV004533711.6).